The following is an entry in ClinVar:

ClinVar aggregate classification (germline): Pathogenic (1 of 4 stars; one submission).

Submission:

Quest Diagnostics Nichols Institute San Juan Capistrano
Classification: Pathogenic. Last evaluated: 2022-05-31. Review status: criteria provided, single submitter. Criteria: ACMG/ClinGen CNV Guidelines, 2019. Collection method: clinical testing. Allele origin: unknown.
Comment: This genomic gain encompasses the type III (LCR F-H) 22q11.2 distal duplication region, which has been reported in patients with developmental delay and other neurocognitive features. In a review of 30 cases by Pinchefsky et al. (Child Neurol Open. 2017 Nov1;4:2329048X17737651. PMID: 29147671), common features included developmental delay (93%), neuropsychiatric features (26%), and nonspecific facial dysmorphism (74%). In 70% of cases, the distal 22q11.2 duplications were inherited and many, but not all, of the carrier parents were phenotypically normal. Thus, reduced penetrance and variable expressivity are exhibited. In a recent publication, whole exome sequencing study identified additional pathogenic sequencing variants in two unrelated severely affected individuals who carry gains of this locus. The authors suggested an additive effect of 22q11.2 duplication and other pathogenic mutations in these two patients and the relevance of additional genetic testing when clinical presentation is either unusually severe or associated with atypical features. (Demily et al., J Autism Dev Disord. 2018Aug;48(8):2886-2889. PMID: 29589274). There are also reports of patients with overlapping duplications who have achygyria, seizures,hypotonia, growth retardation, esophageal atresia, tracheoesophageal fistula, and cardiac defects (Chang J, et al., Gene. 2015 Sep10;569(1):46-50. PMID: 26099517; Puvabanditsin S, et al., GenetCouns. 2015;26(3):313-20. PMID: 26625662; Tan et al. Am J Med GenetA. 2011 Jul;155A(7):1623-33. PMID: 21671380; Wincent et al., MolSyndromol. 2010;1(5):246-254. PMID: 22140377; Coppinger, et al., HumMol Genet. 2009 Apr 15;18(8):1377-83. PMID: 19193630).

GRCh37/hg19 22q11.22-11.23(chr22:22997929-24995256)x3

Genes: ADORA2A (adenosine A2a receptor; plus strand), BCR (BCR activator of RhoGEF and GTPase; plus strand), C22orf15 (chromosome 22 open reading frame 15; plus strand), CABIN1 (calcineurin binding protein 1; plus strand), CHCHD10 (coiled-coil-helix-coiled-coil-helix domain containing 10; minus strand) and 28 more. Cytogenetic location: 22q11.22-11.23.
Variant type: copy number gain.
Change: copy number 3 (three copies instead of two) of chr22:22,997,929-24,995,256 (2.00 Mb, GRCh37 coordinates, 1-based), cytogenetic band 22q11.22-11.23.
Identifiers: ClinVar variation 1808230 (VCV001808230.1).